The following is an entry in ClinVar:

NM_000428.3(LTBP2):c.1609C>G (p.Pro537Ala)

Gene: LTBP2 (latent transforming growth factor beta binding protein 2; minus strand). Cytogenetic location: 14q24.3.
Variant type: single nucleotide variant.
Coding change: c.1609C>G on transcript NM_000428.3 (MANE Select); coding-DNA position 1609, C replaced by G.
Protein change: p.Pro537Ala; replaces proline 537 with alanine.
Molecular consequence: missense variant.
Genome position (GRCh38, 1-based): chr14:74,551,141, G>C on the plus strand (C>G on the coding strand, the complement: LTBP2 is on the minus strand). VCF-style: chr14-74551141-G-C. GRCh37 (hg19) VCF-style: chr14-75017844-G-C.
Other names: c.1609C>G (NM_000428.2); short protein forms P537A.
Identifiers: ClinVar variation 1431338 (VCV001431338.5), dbSNP rs770862437, ClinGen allele CA7269831.
Genomic context (GRCh38, chr14:74,551,141, plus strand): 5'-TCAGGTAACACCGGCCCAGCAGTCCTCGAGGCCTGGGTGCTGCTGGGGGCAGTGGCCGAG[G>C]GGGCTCTCCAGACCGAGCAGGGATGTTGTTGCTGTCCCAGAGGCTGTGGCCAGGGCTGGC-3'
Protein context (NP_000419.1, residues 527-547): NNIPARSGEP[Pro537Ala]RPLPPAAPRP

ClinVar aggregate classification (germline): Uncertain significance. Review status: criteria provided, multiple submitters, no conflicts (2 of 4 stars). 2 submissions from 2 submitters: Uncertain significance (2). Last evaluated 2025-01-27.

Conditions:
Inborn genetic diseases. Identifiers: MedGen C0950123, MeSH D030342.

Allele frequency attached by ClinVar (database versions not stated): gnomAD 0.00002.
gnomAD v4.1: 46 of 1,613,806 alleles (0.0029%); highest among the groups gnomAD compares: Admixed American, 0.073%; no homozygotes.

Submissions (2):

Labcorp Genetics (formerly Invitae), Labcorp
Classification: Uncertain significance. Last evaluated: 2025-01-27. Review status: criteria provided, single submitter. Criteria: Invitae Variant Classification Sherloc (09022015). Collection method: clinical testing. Allele origin: germline.
Comment: This sequence change replaces proline, which is neutral and non-polar, with alanine, which is neutral and non-polar, at codon 537 of the LTBP2 protein (p.Pro537Ala). This variant is present in population databases (rs770862437, gnomAD 0.1%). This variant has not been reported in the literature in individuals affected with LTBP2-related conditions. ClinVar contains an entry for this variant (Variation ID: 1431338). An algorithm developed to predict the effect of missense changes on protein structure and function (PolyPhen-2) suggests that this variant¬†is likely to be tolerated. In summary, the available evidence is currently insufficient to determine the role of this variant in disease. Therefore, it has been classified as a Variant of Uncertain Significance.

Ambry Genetics
Classification: Uncertain significance for Inborn genetic diseases. Last evaluated: 2024-03-07. Review status: criteria provided, single submitter. Criteria: Ambry Variant Classification Scheme 2023. Collection method: clinical testing. Allele origin: germline.